The following is an entry in ClinVar:

NM_015330.6(SPECC1L):c.3083A>G (p.Tyr1028Cys)

Genes: SPECC1L (sperm antigen with calponin homology and coiled-coil domains 1 like; plus strand), SPECC1L-ADORA2A (SPECC1L-ADORA2A readthrough (NMD candidate); plus strand). Cytogenetic location: 22q11.23.
Variant type: single nucleotide variant.
Coding change: c.3083A>G on transcript NM_015330.6 (MANE Select); coding-DNA position 3083, A replaced by G.
Protein change: p.Tyr1028Cys; replaces tyrosine 1028 with cysteine.
Molecular consequence: missense variant. On other transcripts: non-coding transcript variant (1).
Genome position (GRCh38, 1-based): chr22:24,369,316, A>G. VCF-style: chr22-24369316-A-G. GRCh37 (hg19) VCF-style: chr22-24765284-A-G.
Other names: c.3083A>G, p.Tyr1028Cys (NM_001145468.4, NM_001254732.3); c.281A>G, p.Tyr94Cys (NM_001254733.2); short protein forms Y1028C, Y94C.
Identifiers: ClinVar variation 5020459 (VCV005020459.1).

ClinVar aggregate classification (germline): Uncertain significance (1 of 4 stars; one submission).

gnomAD v4.1: 7 of 1,610,670 alleles (0.00043%); highest among the groups gnomAD compares: Non-Finnish European, 0.00059%; no homozygotes.

Submission:

Dasa
Classification: Uncertain significance. Last evaluated: 2026-05-29. Review status: criteria provided, single submitter. Criteria: DASA Assertion Criteria. Collection method: clinical testing. Allele origin: germline.
Comment: NM_015330.6(SPECC1L):c.3083A>G (p.Tyr1028Cys) is a missense variant that results in the substitution of tyrosine with cysteine. This variant is rare in population databases. Computational prediction algorithms are consistent with a deleterious effect. The currently available literature and clinical evidence are not sufficient to establish a definitive association between this variant and the reported condition. Therefore, this variant is classified as a variant of uncertain significance.